The following is an entry in ClinVar:

ClinVar aggregate classification (germline): Pathogenic/Likely pathogenic. Review status: criteria provided, multiple submitters, no conflicts (2 of 4 stars). 3 submissions from 3 submitters: Pathogenic (1); Likely pathogenic (1). 1 of the submissions does not count toward it. Last evaluated 2025-04-23.

Conditions:
Benign familial hematuria. Also called: thin basement membrane disease. Identifiers: MedGen C0241908, MONDO:0957317.

gnomAD v4.1: 1 of 1,613,086 alleles (0.000062%); highest among the groups gnomAD compares: Non-Finnish European, 0.000085%; no homozygotes.

Submissions (3):

Labcorp Genetics (formerly Invitae), Labcorp
Classification: Pathogenic. Last evaluated: 2025-04-23. Review status: criteria provided, single submitter. Criteria: Invitae Variant Classification Sherloc (09022015). Collection method: clinical testing. Allele origin: germline.
Comment: This sequence change affects an acceptor splice site in intron 42 of the COL4A4 gene. It is expected to disrupt RNA splicing. Variants that disrupt the donor or acceptor splice site typically lead to a loss of protein function (PMID: 16199547), and loss-of-function variants in COL4A4 are known to be pathogenic (PMID: 21196518, 24854265, 25307543). This variant is not present in population databases (gnomAD no frequency). Disruption of this splice site has been observed in individuals with Alport syndrome and/or clinical features of COL4A4-related conditions and/or COL4A4-related conditions (PMID: 30586318; internal data). ClinVar contains an entry for this variant (Variation ID: 562353). For these reasons, this variant has been classified as Pathogenic.

Greenwood Genetic Center Diagnostic Laboratories, Greenwood Genetic Center
Classification: Likely pathogenic for Hematuria, benign familial, 1. Last evaluated: 2023-01-13. Review status: criteria provided, single submitter. Criteria: ACMG Guidelines, 2015. Collection method: clinical testing. Allele origin: germline. Affected: yes.
Comment: PVS1_Moderate, PM1, PM2, PM3_Supporting

Gharavi Laboratory, Columbia University
Classification: Pathogenic. Last evaluated: 2018-09-16. Review status: no assertion criteria provided. Criteria: ACMG Guidelines, 2015. Collection method: research. Allele origin: germline. Affected: yes. Not counted in ClinVar's aggregate classification.

Literature cited by the submitters: PubMed 16199547 (cited by Labcorp Genetics (formerly Invitae), Labcorp); PubMed 21196518 (cited by Labcorp Genetics (formerly Invitae), Labcorp); PubMed 24854265 (cited by Labcorp Genetics (formerly Invitae), Labcorp); PubMed 25307543 (cited by Labcorp Genetics (formerly Invitae), Labcorp); PubMed 30586318 (cited by Labcorp Genetics (formerly Invitae), Labcorp).

NM_000092.5(COL4A4):c.4082-1G>T

Gene: COL4A4 (collagen type IV alpha 4 chain; minus strand). Cytogenetic location: 2q36.3.
Variant type: single nucleotide variant.
Coding change: c.4082-1G>T on transcript NM_000092.5 (MANE Select); the canonical splice acceptor site of the intron before coding-DNA position 4082, G replaced by T.
Molecular consequence: splice acceptor variant.
Genome position (GRCh38, 1-based): chr2:227,025,811, C>A on the plus strand (G>T on the coding strand, the complement: COL4A4 is on the minus strand). VCF-style: chr2-227025811-C-A. GRCh37 (hg19) VCF-style: chr2-227890527-C-A.
Identifiers: ClinVar variation 562353 (VCV000562353.10), dbSNP rs1559438651, ClinGen allele CA350836916.
Genomic context (GRCh38, chr2:227,025,811, plus strand): 5'-TGACTAGAAACCAGAGTGAGGGGAAATTACCAATTTTATAGCAAAGCTTACCTCTGGGAC[C>A]TAGAGGGATCCAAAGACAACAAACGAGGCCAGTCCATGATTTTCACAGGGTGGAAAGAGA-3'